The following is an entry in ClinVar:

ClinVar aggregate classification (germline): Benign/Likely benign. Review status: criteria provided, multiple submitters, no conflicts (2 of 4 stars). 4 submissions from 3 submitters: Benign (2); Likely benign (2). Last evaluated 2026-01-09.

Conditions:
DYNC1H1-related disorder. Also called: DYNC1H1-related condition; DYNC1H1-related disorders. Identifiers: MedGen CN381529.
Charcot-Marie-Tooth disease axonal type 2O. Also called: Charcot-Marie-Tooth disease, axonal, type 20; CHARCOT-MARIE-TOOTH NEUROPATHY, AXONAL, TYPE 2O; CHARCOT-MARIE-TOOTH DISEASE, AXONAL, AUTOSOMAL DOMINANT, TYPE 2O; Charcot-Marie-Tooth Neuropathy Type 2O. Identifiers: Orphanet 284232, MedGen C3280220, MONDO:0013644, OMIM 614228.
Autosomal dominant cerebellar ataxia. Also called: Spinocerebellar Ataxia, Dominant. Identifiers: Orphanet 99, MedGen C4087347, MONDO:0020380.

Allele frequency attached by ClinVar (database versions not stated): TOPMed 0.00002; 1000 Genomes Project 30x 0.00016; 1000 Genomes Project 0.00020.
gnomAD v4.1: 111 of 1,614,088 alleles (0.0069%); highest among the groups gnomAD compares: East Asian, 0.24%; no homozygotes.

Submissions (4):

Labcorp Genetics (formerly Invitae), Labcorp
Classification: Benign for Charcot-Marie-Tooth disease axonal type 2O. Last evaluated: 2026-01-09. Review status: criteria provided, single submitter. Criteria: Invitae Variant Classification Sherloc (09022015). Collection method: clinical testing. Allele origin: germline.

PreventionGenetics, part of Exact Sciences
Classification: Likely benign for DYNC1H1-related condition. Last evaluated: 2025-10-09. Review status: criteria provided, single submitter. Criteria: ACMG Guidelines, 2015. Collection method: clinical testing. Allele origin: germline.
Comment: This variant is classified as likely benign based on ACMG/AMP sequence variant interpretation guidelines (Richards et al. 2015 PMID: 25741868, with internal and published modifications).

Illumina Laboratory Services, Illumina
Classification: Likely benign for Charcot-Marie-Tooth disease axonal type 2O. Last evaluated: 2018-01-13. Review status: criteria provided, single submitter. Criteria: ICSL Variant Classification Criteria 13 December 2019. Collection method: clinical testing. Allele origin: germline.
Comment: This variant was observed in the ICSL laboratory as part of a predisposition screen in an ostensibly healthy population. It had not been previously curated by ICSL or reported in the Human Gene Mutation Database (HGMD: prior to June 1st, 2018), and was therefore a candidate for classification through an automated scoring system. Utilizing variant allele frequency, disease prevalence and penetrance estimates, and inheritance mode, an automated score was calculated to assess if this variant is too frequent to cause the disease. Based on the score and internal cut-off values, a variant classified as likely benign is not then subjected to further curation. The score for this variant resulted in a classification of likely benign for this disease.

Illumina Laboratory Services, Illumina
Classification: Benign for Spinocerebellar Ataxia, Dominant. Last evaluated: 2018-01-13. Review status: criteria provided, single submitter. Criteria: ICSL Variant Classification Criteria 13 December 2019. Collection method: clinical testing. Allele origin: germline.
Comment: This variant was observed in the ICSL laboratory as part of a predisposition screen in an ostensibly healthy population. It had not been previously curated by ICSL or reported in the Human Gene Mutation Database (HGMD: prior to June 1st, 2018), and was therefore a candidate for classification through an automated scoring system. Utilizing variant allele frequency, disease prevalence and penetrance estimates, and inheritance mode, an automated score was calculated to assess if this variant is too frequent to cause the disease. Based on the score and internal cut-off values, a variant classified as benign is not then subjected to further curation. The score for this variant resulted in a classification of benign for this disease.

NM_001376.5(DYNC1H1):c.12354G>T (p.Pro4118=)

Gene: DYNC1H1 (dynein cytoplasmic 1 heavy chain 1; plus strand). Cytogenetic location: 14q32.31.
Variant type: single nucleotide variant.
Coding change: c.12354G>T on transcript NM_001376.5 (MANE Select); coding-DNA position 12354, G replaced by T.
Protein change: p.Pro4118=; no amino-acid change (proline 4118 retained).
Molecular consequence: synonymous variant.
Genome position (GRCh38, 1-based): chr14:102,042,462, G>T. VCF-style: chr14-102042462-G-T. GRCh37 (hg19) VCF-style: chr14-102508799-G-T.
Identifiers: ClinVar variation 880863 (VCV000880863.12), dbSNP rs143574214, ClinGen allele CA7353906.